The following is an entry in ClinVar:

NM_000587.4(C7):c.597A>T (p.Glu199Asp)

Gene: C7 (complement C7; plus strand). Cytogenetic location: 5p13.1.
Variant type: single nucleotide variant.
Coding change: c.597A>T on transcript NM_000587.4 (MANE Select); coding-DNA position 597, A replaced by T.
Protein change: p.Glu199Asp; replaces glutamic acid 199 with aspartic acid.
Molecular consequence: missense variant.
Genome position (GRCh38, 1-based): chr5:40,945,227, A>T. VCF-style: chr5-40945227-A-T. GRCh37 (hg19) VCF-style: chr5-40945329-A-T.
Other names: short protein forms E199D.
Identifiers: ClinVar variation 1935386 (VCV001935386.5), dbSNP rs574413250, ClinGen allele CA3249695.
Genomic context (GRCh38, chr5:40,945,227, plus strand): 5'-GTCATAGCAAAATTTTTCATTTTCTTTGTAGGTGAAAATAAATAATGATTTTAATTATGA[A>T]TTTTACAATAGTACTTGGTCTTATGTAAAACATACGTCGACAGAACACACATCATCTAGT-3'
Protein context (NP_000578.2, residues 189-209): QVKINNDFNY[Glu199Asp]FYNSTWSYVK

ClinVar aggregate classification (germline): Uncertain significance (1 of 4 stars; one submission).

Allele frequency attached by ClinVar (database versions not stated): gnomAD 0.00002; gnomAD exomes 0.00003; 1000 Genomes Project 30x 0.00016; 1000 Genomes Project 0.00020; ExAC 0.00028.

Submission:

Labcorp Genetics (formerly Invitae), Labcorp
Classification: Uncertain significance. Last evaluated: 2022-03-16. Review status: criteria provided, single submitter. Criteria: Invitae Variant Classification Sherloc (09022015). Collection method: clinical testing. Allele origin: germline.
Comment: In summary, the available evidence is currently insufficient to determine the role of this variant in disease. Therefore, it has been classified as a Variant of Uncertain Significance. Algorithms developed to predict the effect of sequence changes on RNA splicing suggest that this variant may create or strengthen a splice site. Algorithms developed to predict the effect of missense changes on protein structure and function are either unavailable or do not agree on the potential impact of this missense change (SIFT: "Deleterious"; PolyPhen-2: "Benign"; Align-GVGD: "Class C0"). This variant has not been reported in the literature in individuals affected with C7-related conditions. This variant is present in population databases (rs574413250, gnomAD 0.07%). This sequence change replaces glutamic acid, which is acidic and polar, with aspartic acid, which is acidic and polar, at codon 199 of the C7 protein (p.Glu199Asp).